The following is an entry in ClinVar:

ClinVar aggregate classification (germline): Benign (1 of 4 stars; one submission).

Allele frequency attached by ClinVar (database versions not stated): 1000 Genomes Project 30x 0.00359; 1000 Genomes Project 0.00379; gnomAD exomes 0.00935; ExAC 0.02558.
gnomAD v4.1: 13,545 of 1,457,288 alleles (0.93%); highest among the groups gnomAD compares: Middle Eastern, 4.4%; 110 homozygotes.

Submission:

CeGaT Center for Human Genetics Tuebingen
Classification: Benign. Last evaluated: 2023-02-01. Review status: criteria provided, single submitter. Criteria: CeGaT Center For Human Genetics Tuebingen Variant Classification Criteria Version 2. Collection method: clinical testing. Allele origin: germline. Affected: yes. Observed: 2 variant alleles.
Comment: ATIC: BS1, BS2

NM_004044.7(ATIC):c.19+94G>A

Gene: ATIC (5-aminoimidazole-4-carboxamide ribonucleotide formyltransferase/IMP cyclohydrolase; plus strand). Cytogenetic location: 2q35.
Variant type: single nucleotide variant.
Coding change: c.19+94G>A on transcript NM_004044.7 (MANE Select); 94 bases into the intron after coding-DNA position 19, G replaced by A.
Molecular consequence: intron variant.
Genome position (GRCh38, 1-based): chr2:215,312,255, G>A. VCF-style: chr2-215312255-G-A. GRCh37 (hg19) VCF-style: chr2-216176978-G-A.
Identifiers: ClinVar variation 2651868 (VCV002651868.24), dbSNP rs190514165, ClinGen allele CA2092734.